The following is an entry in ClinVar:

NM_001723.7(DST):c.7151C>T (p.Ser2384Phe)

Gene: DST (dystonin; minus strand). Cytogenetic location: 6p12.1.
Variant type: single nucleotide variant.
Coding change: c.7151C>T on transcript NM_001723.7 (MANE Plus Clinical); coding-DNA position 7151, C replaced by T.
Protein change: p.Ser2384Phe; replaces serine 2384 with phenylalanine.
Molecular consequence: missense variant. On other transcripts: intron variant (10).
Genome position (GRCh38, 1-based): chr6:56,616,316, G>A on the plus strand (C>T on the coding strand, the complement: DST is on the minus strand). VCF-style: chr6-56616316-G-A. GRCh37 (hg19) VCF-style: chr6-56481114-G-A.
Other names: c.4831-1832C>T (NM_001144769.5); c.4930-1832C>T (NM_001374722.1, NM_001374736.1); c.4957-1832C>T (NM_001374734.1); c.4417-1832C>T (NM_001144770.2); c.4297-1832C>T (NM_001374730.1, NM_001386100.1, NM_183380.4 and 1 more transcripts); c.3319-1832C>T (NM_015548.5); short protein forms S2384F.
Identifiers: ClinVar variation 2146751 (VCV002146751.1), dbSNP rs374183968, ClinGen allele CA3870017.
Genomic context (GRCh38, chr6:56,616,316, plus strand): 5'-TTAATATTGAAGTGTAATCCTGTTTTAGTATCAGTCAGCATATGAGAAGAATGCCCATAG[G>A]ATTCAAAAAACATAGCTTCCTTCCACTGATATTGCTGCCCTGAAAGTTCAAGATATATAC-3'
Protein context (NP_001714.1, residues 2374-2394): YQWKEAMFFE[Ser2384Phe]YGHSSHMLTD

ClinVar aggregate classification (germline): Uncertain significance (1 of 4 stars; one submission).

Conditions:
Hereditary sensory and autonomic neuropathy type 6. Also called: Neuropathy, hereditary sensory and autonomic, type VI; HSAN VI. Identifiers: Orphanet 314381, MedGen C3539003, MONDO:0013839, OMIM 614653.
Epidermolysis bullosa simplex 3, localized or generalized intermediate, with BP230 deficiency (EBS3). Also called: Epidermolysis bullosa simplex due to BP230 deficiency; Epidermolysis bullosa simplex, autosomal recessive 2. Identifiers: Orphanet 412181, MedGen C3809470, MONDO:0014180, OMIM 615425.

gnomAD v4.1: 20 of 1,613,518 alleles (0.0012%); highest among the groups gnomAD compares: South Asian, 0.011%; no homozygotes.

Submission:

Labcorp Genetics (formerly Invitae), Labcorp
Classification: Uncertain significance for Epidermolysis bullosa simplex 3, localized or generalized intermediate, with BP230 deficiency; Hereditary sensory and autonomic neuropathy type 6. Last evaluated: 2022-05-17. Review status: criteria provided, single submitter. Criteria: Invitae Variant Classification Sherloc (09022015). Collection method: clinical testing. Allele origin: germline.
Comment: This sequence change replaces serine, which is neutral and polar, with phenylalanine, which is neutral and non-polar, at codon 2384 of the DST protein (p.Ser2384Phe). This variant is present in population databases (rs374183968, gnomAD 0.006%). This variant has not been reported in the literature in individuals affected with DST-related conditions. Algorithms developed to predict the effect of missense changes on protein structure and function are either unavailable or do not agree on the potential impact of this missense change (SIFT: "Deleterious"; PolyPhen-2: "Probably Damaging"; Align-GVGD: "Class C15"). In summary, the available evidence is currently insufficient to determine the role of this variant in disease. Therefore, it has been classified as a Variant of Uncertain Significance.